The following is an entry in ClinVar:

NM_052845.4(MMAB):c.546_555dup (p.Arg186fs)

Gene: MMAB (metabolism of cobalamin associated B; minus strand). Cytogenetic location: 12q24.11.
Variant type: Duplication.
Coding change: c.546_555dup on transcript NM_052845.4 (MANE Select); coding-DNA positions 546 to 555, 10 bases duplicated (GCATTTCTGC; older notation c.546_555dupGCATTTCTGC).
Protein change: p.Arg186fs; shifts the reading frame from arginine 186.
Molecular consequence: frameshift variant. On other transcripts: non-coding transcript variant (1).
Genome position (GRCh38, 1-based): chr12:109,561,069-109,561,078, GCAGAAATGC duplicated on the plus strand (GCATTTCTGC on the coding strand, the reverse complement: MMAB is on the minus strand). VCF-style (leftmost placement, unchanged base first): chr12-109561068-G-GGCAGAAATGC. GRCh37 (hg19) VCF-style: chr12-109998873-G-GGCAGAAATGC.
Other names: short protein forms R186fs.
Identifiers: ClinVar variation 2020905 (VCV002020905.4), dbSNP rs2548604090, ClinGen allele CA2580085844.
Genomic context (GRCh38, chr12:109,561,068, plus strand): 5'-TTGGGCCCTCTCCCTCTCTCCAGCCCTCTTACCGTCTCTCGGCCCGGCGGCACACGGCCC[G>GGCAGAAATGC]GCAGAAATGCAGCGCCGAGCTGATCTTGCCTCCCGACTGAAAGGAGAAAGGGACATTGCC-3'

ClinVar aggregate classification (germline): Pathogenic (1 of 4 stars; one submission).

Conditions:
Methylmalonic aciduria, cblB type (MACB). Also called: Vitamin B12-responsive methylmalonic acidemia type cblB; METHYLMALONIC ACIDURIA, VITAMIN B12-RESPONSIVE, DUE TO DEFECT IN SYNTHESIS OF ADENOSYLCOBALAMIN, cblB TYPE; Methylmalonic acidemia cblB type. Identifiers: Orphanet 28, Orphanet 79311, MedGen C1855102, MONDO:0009614, OMIM 251110.

Submission:

Labcorp Genetics (formerly Invitae), Labcorp
Classification: Pathogenic for Methylmalonic aciduria, cblB type. Last evaluated: 2022-08-07. Review status: criteria provided, single submitter. Criteria: Invitae Variant Classification Sherloc (09022015). Collection method: clinical testing. Allele origin: germline.
Comment: This sequence change creates a premature translational stop signal (p.Arg186Alafs*36) in the MMAB gene. While this is not anticipated to result in nonsense mediated decay, it is expected to disrupt the last 65 amino acid(s) of the MMAB protein. This variant is not present in population databases (gnomAD no frequency). For these reasons, this variant has been classified as Pathogenic. This variant disrupts a region of the MMAB protein in which other variant(s) (p.Gln234*) have been determined to be pathogenic (PMID: 16410054, 21604717). This suggests that this is a clinically significant region of the protein, and that variants that disrupt it are likely to be disease-causing. This variant has not been reported in the literature in individuals affected with MMAB-related conditions.

Literature cited by the submitters: PubMed 16410054; PubMed 21604717.